The following is an entry in ClinVar:

NM_022437.3(ABCG8):c.1366G>A (p.Gly456Ser)

Gene: ABCG8 (ATP binding cassette subfamily G member 8; plus strand). Cytogenetic location: 2p21.
Variant type: single nucleotide variant.
Coding change: c.1366G>A on transcript NM_022437.3 (MANE Select); coding-DNA position 1366, G replaced by A.
Protein change: p.Gly456Ser; replaces glycine 456 with serine.
Molecular consequence: missense variant.
Genome position (GRCh38, 1-based): chr2:43,873,941, G>A. VCF-style: chr2-43873941-G-A. GRCh37 (hg19) VCF-style: chr2-44101080-G-A.
Other names: c.1363G>A, p.Gly455Ser (NM_001357321.2); short protein forms G456S, G455S.
Identifiers: ClinVar variation 597000 (VCV000597000.14), dbSNP rs1367618593, ClinGen allele CA346669535.
Genomic context (GRCh38, chr2:43,873,941, plus strand): 5'-TTTGGCCATGGGAGCATCCAGCTCTCCTTCATGGATACAGCCGCCCTCTTGTTCATGATC[G>A]GTGCTCTCATCCCTTTCAACGTCATTCTGGATGTCATCTCCAAATGTGAGTGTGGCCCAC-3'
Protein context (NP_071882.1, residues 446-466): MDTAALLFMI[Gly456Ser]ALIPFNVILD

ClinVar aggregate classification (germline): Uncertain significance. Review status: criteria provided, multiple submitters, no conflicts (2 of 4 stars). 4 submissions from 4 submitters: Uncertain significance (4). Last evaluated 2025-12-05.

Conditions:
Sitosterolemia 1. Identifiers: MedGen C2749759, MONDO:0020747, OMIM 210250.
ABCG8-related disorder. Also called: ABCG8-related condition.
Cardiovascular phenotype. Identifiers: MedGen CN230736.

Allele frequency attached by ClinVar (database versions not stated): gnomAD exomes below 0.00001; gnomAD 0.00001; TOPMed 0.00001.
gnomAD v4.1: 7 of 1,613,922 alleles (0.00043%); highest among the groups gnomAD compares: Non-Finnish European, 0.00059%; no homozygotes.

Submissions (4):

PreventionGenetics, part of Exact Sciences
Classification: Uncertain significance for ABCG8-related condition. Last evaluated: 2025-12-05. Review status: criteria provided, single submitter. Criteria: ACMG Guidelines, 2015. Collection method: clinical testing. Allele origin: germline.
Comment: The ABCG8 c.1366G>A variant is predicted to result in the amino acid substitution p.Gly456Ser. To our knowledge, this variant has not been reported in the literature or in a large population database, indicating this variant is rare. At this time, the clinical significance of this variant is uncertain due to the absence of conclusive functional and genetic evidence.

Ambry Genetics
Classification: Uncertain significance for Cardiovascular phenotype. Last evaluated: 2022-09-16. Review status: criteria provided, single submitter. Criteria: Ambry Variant Classification Scheme 2023. Collection method: clinical testing. Allele origin: germline.
Comment: The p.G456S variant (also known as c.1366G>A), located in coding exon 9 of the ABCG8 gene, results from a G to A substitution at nucleotide position 1366. The glycine at codon 456 is replaced by serine, an amino acid with similar properties. This amino acid position is conserved. In addition, the in silico prediction for this alteration is inconclusive. Since supporting evidence is limited at this time, the clinical significance of this alteration remains unclear.

Eurofins Ntd Llc (ga)
Classification: Uncertain significance. Last evaluated: 2018-04-26. Review status: criteria provided, single submitter. Criteria: EGL ClinVar v180209 classification definitions. Collection method: clinical testing. Allele origin: germline. Observed: 1 variant allele, 1 heterozygote.

Illumina Laboratory Services, Illumina
Classification: Uncertain significance for Sitosterolemia 1. Last evaluated: 2018-01-13. Review status: criteria provided, single submitter. Criteria: ICSL Variant Classification Criteria 13 December 2019. Collection method: clinical testing. Allele origin: germline.